The following is an entry in ClinVar:

ClinVar aggregate classification (germline): Uncertain significance. Review status: criteria provided, multiple submitters, no conflicts (2 of 4 stars). 2 submissions from 2 submitters: Uncertain significance (2). Last evaluated 2024-12-15.

Conditions:
Early-infantile DEE. Also called: Early infantile epileptic encephalopathy with suppression bursts; Ohtahara syndrome; Early infantile epileptic encephalopathy. Identifiers: Orphanet 1934, MedGen C0393706, MONDO:0800491.

gnomAD v4.1: 4 of 1,613,658 alleles (0.00025%); highest among the groups gnomAD compares: Non-Finnish European, 0.00017%; no homozygotes.

Submissions (2):

Labcorp Genetics (formerly Invitae), Labcorp
Classification: Uncertain significance for Early-infantile DEE. Last evaluated: 2024-12-15. Review status: criteria provided, single submitter. Criteria: Invitae Variant Classification Sherloc (09022015). Collection method: clinical testing. Allele origin: germline.
Comment: This sequence change replaces arginine, which is basic and polar, with proline, which is neutral and non-polar, at codon 1933 of the SCN1A protein (p.Arg1933Pro). This variant is not present in population databases (gnomAD no frequency). This variant has not been reported in the literature in individuals affected with SCN1A-related conditions. ClinVar contains an entry for this variant (Variation ID: 1422106). Invitae Evidence Modeling of protein sequence and biophysical properties (such as structural, functional, and spatial information, amino acid conservation, physicochemical variation, residue mobility, and thermodynamic stability) indicates that this missense variant is not expected to disrupt SCN1A protein function with a negative predictive value of 95%. In summary, the available evidence is currently insufficient to determine the role of this variant in disease. Therefore, it has been classified as a Variant of Uncertain Significance.

Blueprint Genetics
Classification: Uncertain significance. Last evaluated: 2020-01-28. Review status: criteria provided, single submitter. Criteria: ACMG Guidelines, 2015. Collection method: clinical testing. Allele origin: germline.

NM_001165963.4(SCN1A):c.5798G>C (p.Arg1933Pro)

Genes: SCN1A (sodium voltage-gated channel alpha subunit 1; minus strand), LOC102724058 (uncharacterized LOC102724058; plus strand). Cytogenetic location: 2q24.3.
Variant type: single nucleotide variant.
Coding change: c.5798G>C on transcript NM_001165963.4 (MANE Select); coding-DNA position 5798, G replaced by C.
Protein change: p.Arg1933Pro; replaces arginine 1933 with proline.
Molecular consequence: missense variant. On other transcripts: non-coding transcript variant (1).
Genome position (GRCh38, 1-based): chr2:165,991,477, C>G on the plus strand (G>C on the coding strand, the complement: SCN1A is on the minus strand). VCF-style: chr2-165991477-C-G. GRCh37 (hg19) VCF-style: chr2-166847987-C-G.
Other names: c.5714G>C, p.Arg1905Pro (NM_001165964.3, NM_001353957.2, NM_001353958.2); c.5798G>C, p.Arg1933Pro (NM_001202435.3, NM_001353948.2); c.5765G>C, p.Arg1922Pro (NM_001353949.2, NM_001353950.2, NM_001353951.2 and 2 more transcripts); c.5762G>C, p.Arg1921Pro (NM_001353954.2, NM_001353955.2); c.5711G>C, p.Arg1904Pro (NM_001353960.2); c.3356G>C, p.Arg1119Pro (NM_001353961.2); short protein forms R1905P, R1922P, R1933P, R1904P, R1921P, R1119P.
Identifiers: ClinVar variation 1422106 (VCV001422106.10), dbSNP rs556893466, ClinGen allele CA349063793.
Genomic context (GRCh38, chr2:165,991,477, plus strand): 5'-AGATTAGCCCCACCTTTGATTTTGTTTTTATTGTACGTAAAGGAAGCTTGTTTTACAGTT[C>G]GCTTTAAAAGGTGGCGTCTGTAAGCACGCTGAATAATGACAGCAGATACTTCCTCTTGTT-3'
Protein context (NP_001159435.1, residues 1923-1943): QRAYRRHLLK[Arg1933Pro]TVKQASFTYN